The following is an entry in ClinVar:

ClinVar aggregate classification (germline): Pathogenic/Likely pathogenic. Review status: criteria provided, multiple submitters, no conflicts (2 of 4 stars). 7 submissions from 7 submitters: Pathogenic (3); Likely pathogenic (2). 2 of the submissions do not count toward it. Last evaluated 2025-01-30.

Conditions:
Breast-ovarian cancer, familial, susceptibility to, 5 (BROVCA5). Identifiers: MedGen C5830615, MONDO:0957530, OMIM 620442.
Hereditary breast ovarian cancer syndrome. Also called: Hereditary breast and ovarian cancer syndrome; Hereditary breast and ovarian cancer syndrome (HBOC); Breast and ovarian cancer; Hereditary breast and/or ovarian cancer syndrome; Hereditary breast and ovarian cancer; BRCA1- and BRCA2-Associated Hereditary Breast and Ovarian Cancer. Identifiers: Orphanet 145, MedGen C0677776, MeSH D061325, MONDO:0003582. Disease mechanism: loss of function.
Hereditary cancer-predisposing syndrome. Also called: Neoplastic Syndromes, Hereditary; Hereditary Cancer Syndrome; Hereditary neoplastic syndrome; Tumor predisposition. Identifiers: Orphanet 140162, MedGen C0027672, MeSH D009386, MONDO:0015356.
Familial cancer of breast. Also called: Hereditary breast cancer; BREAST CANCER, FAMILIAL; hereditary breast carcinoma. Identifiers: Orphanet 227535, MedGen C0346153, MONDO:0016419, OMIM 114480. Disease mechanism: loss of function.
Gastric cancer. Also called: Stomach cancer; Malignant tumor of stomach. Identifiers: MedGen C0024623, MeSH D013274, MONDO:0001056, OMIM 613659, HP:0012126.

Allele frequency attached by ClinVar (database versions not stated): gnomAD exomes below 0.00001.
gnomAD v4.1: 1 of 1,571,104 alleles (0.000064%); highest among the groups gnomAD compares: East Asian, 0.0022%; no homozygotes.

Submissions (7):

Women's Health and Genetics/Laboratory Corporation of America, LabCorp
Classification: Pathogenic for Hereditary breast ovarian cancer syndrome. Last evaluated: 2025-01-30. Review status: criteria provided, single submitter. Criteria: LabCorp Variant Classification Summary - May 2015. Collection method: clinical testing. Allele origin: germline.
Comment: Variant summary: PALB2 c.2834+2T>C is located in a canonical splice-site and is predicted to affect mRNA splicing resulting in a significantly altered protein due to either exon skipping, shortening, or inclusion of intronic material. Variants that disrupt the consensus splice site are a relatively common cause of aberrant splicing and loss of PALB2 function. Several computational tools predict a significant impact on normal splicing: Three predict the variant abolishes a canonical 5' splicing donor site. One predicts the variant creates a cryptic 5' donor site. One predicts the variant has no significant impact on splicing. The variant allele was found at a frequency of 6.4e-07 in 1571104 control chromosomes (gnomAD v4.1). c.2834+2T>C has been reported in the literature in individuals affected with Hereditary Breast And Ovarian Cancer Syndrome (e.g. Nakagomi_2017, Momozawa_2018, Zhou_2020). These data indicate that the variant is likely to be associated with disease. The following publications have been ascertained in the context of this evaluation (PMID: 28413668, 30287823, 32339256). ClinVar contains an entry for this variant (Variation ID: 821873). Based on the evidence outlined above, the variant was classified as pathogenic.

Myriad Genetics, Inc.
Classification: Likely pathogenic for Familial cancer of breast. Last evaluated: 2023-09-13. Review status: criteria provided, single submitter. Criteria: Myriad Autosomal Dominant, Autosomal Recessive and X-Linked Classification Criteria (2023). Collection method: clinical testing. Allele origin: unknown.
Comment: This variant is considered likely pathogenic. This variant occurs within a consensus splice junction and is predicted to result in abnormal mRNA splicing of either an out-of-frame exon or an in-frame exon necessary for protein stability and/or normal function.

Labcorp Genetics (formerly Invitae), Labcorp
Classification: Pathogenic for Familial cancer of breast. Last evaluated: 2022-11-23. Review status: criteria provided, single submitter. Criteria: Invitae Variant Classification Sherloc (09022015). Collection method: clinical testing. Allele origin: germline.
Comment: ClinVar contains an entry for this variant (Variation ID: 821873). This sequence change affects a donor splice site in intron 8 of the PALB2 gene. It is expected to disrupt RNA splicing. Variants that disrupt the donor or acceptor splice site typically lead to a loss of protein function (PMID: 16199547), and loss-of-function variants in PALB2 are known to be pathogenic (PMID: 17200668, 17200671, 17200672, 24136930, 25099575). This variant is not present in population databases (gnomAD no frequency). Disruption of this splice site has been observed in individual(s) with breast cancer (PMID: 28413668, 30287823, 32339256; Invitae). It has also been observed to segregate with disease in related individuals. Algorithms developed to predict the effect of sequence changes on RNA splicing suggest that this variant may disrupt the consensus splice site. For these reasons, this variant has been classified as Pathogenic.

Ambry Genetics
Classification: Likely pathogenic for Hereditary cancer-predisposing syndrome. Last evaluated: 2021-11-29. Review status: criteria provided, single submitter. Criteria: Ambry Variant Classification Scheme 2023. Collection method: clinical testing. Allele origin: germline.
Comment: The c.2834+2T>C intronic variant results from a T to C substitution two nucleotides after coding exon 8 in the PALB2 gene. This nucleotide position is highly conserved in available vertebrate species. In silico splice site analysis predicts that this alteration will weaken the native splice donor site. Alterations that disrupt the canonical splice site are expected to cause aberrant splicing, resulting in an abnormal protein or a transcript that is subject to nonsense-mediated mRNA decay. As such, this alteration is classified as likely pathogenic.

Kong lab, Department of Laboratory Medicine, National Cancer Center
Classification: Pathogenic for Breast-ovarian cancer, familial, susceptibility to, 5. Last evaluated: 2020-08-01. Review status: criteria provided, single submitter. Criteria: ACMG Guidelines, 2015. Collection method: research. Allele origin: germline, not applicable. Inheritance: Autosomal dominant inheritance. Observed: 1 heterozygote.
Comment: RT-PCR and sequencing analyses confirmed exon 8 skipping, resulting in the production of a truncated PALB2 protein (Ryu et al., 2020; PMID: 32761968). This variant is absent from population databases, including ExAC and gnomAD. Given the functional importance of PALB2 in DNA repair through interaction with BRCA1 and BRCA2, PALB2 c.2834+2T>C has been classified as pathogenic.

Laboratory for Genotyping Development, RIKEN
Classification: Pathogenic for Gastric cancer. Last evaluated: 2021-07-01. Review status: no assertion criteria provided. Collection method: research. Allele origin: germline. Not counted in ClinVar's aggregate classification.

Leiden Open Variation Database
Classification: Pathogenic. Last evaluated: 2018-10-10. Review status: no assertion criteria provided. Collection method: curation. Allele origin: germline. Affected: yes. Not counted in ClinVar's aggregate classification.
Comment: Curators: Marc Tischkowitz, Arleen D. Auerbach. Submitter to LOVD: Yukihide Momozawa.

Literature cited by the submitters: PubMed 30287823 (cited by 4 submitters); PubMed 32339256 (cited by 3 submitters); PubMed 28413668 (cited by Women's Health and Genetics/Laboratory Corporation of America, LabCorp and Labcorp Genetics (formerly Invitae), Labcorp); PubMed 16199547 (cited by Labcorp Genetics (formerly Invitae), Labcorp); PubMed 17200668 (cited by Labcorp Genetics (formerly Invitae), Labcorp); PubMed 17200671 (cited by Labcorp Genetics (formerly Invitae), Labcorp); PubMed 17200672 (cited by Labcorp Genetics (formerly Invitae), Labcorp); PubMed 24136930 (cited by Labcorp Genetics (formerly Invitae), Labcorp); PubMed 25099575 (cited by Labcorp Genetics (formerly Invitae), Labcorp); PubMed 32761968 (cited by Kong lab, Department of Laboratory Medicine, National Cancer Center); PubMed 36988593 (cited by Laboratory for Genotyping Development, RIKEN).

NM_024675.4(PALB2):c.2834+2T>C

Gene: PALB2 (partner and localizer of BRCA2; minus strand). Cytogenetic location: 16p12.2.
Variant type: single nucleotide variant.
Coding change: c.2834+2T>C on transcript NM_024675.4 (MANE Select); the canonical splice donor site of the intron after coding-DNA position 2834, T replaced by C.
Molecular consequence: splice donor variant.
Genome position (GRCh38, 1-based): chr16:23,624,007, A>G on the plus strand (T>C on the coding strand, the complement: PALB2 is on the minus strand). VCF-style: chr16-23624007-A-G. GRCh37 (hg19) VCF-style: chr16-23635328-A-G.
Other names: c.1949+2T>C (NM_001407308.1, NM_001407306.1, NM_001407309.1 and 4 more transcripts); c.368+2T>C (NM_001407314.1); c.1046+2T>C (NM_001407313.1, NM_001407312.1); c.2774+2T>C (NM_001407296.1); c.2762+2T>C (NM_001407297.1); c.2672+2T>C (NM_001407302.1, NM_001407298.1); c.2834+2T>C (NM_001407300.1, NM_001407299.1, NM_001407301.1); c.1787+2T>C (NM_001407307.1).
Identifiers: ClinVar variation 821873 (VCV000821873.31), dbSNP rs864622481, ClinGen allele CA395144743.